The following is an entry in ClinVar:

NM_001202.6(BMP4):c.845A>T (p.His282Leu)

Gene: BMP4 (bone morphogenetic protein 4; minus strand). Cytogenetic location: 14q22.2.
Variant type: single nucleotide variant.
Coding change: c.845A>T on transcript NM_001202.6 (MANE Select); coding-DNA position 845, A replaced by T.
Protein change: p.His282Leu; replaces histidine 282 with leucine.
Molecular consequence: missense variant.
Genome position (GRCh38, 1-based): chr14:53,950,414, T>A on the plus strand (A>T on the coding strand, the complement: BMP4 is on the minus strand). VCF-style: chr14-53950414-T-A. GRCh37 (hg19) VCF-style: chr14-54417132-T-A.
Other names: c.986A>T, p.His329Leu (NM_001347912.1); c.656A>T, p.His219Leu (NM_001347913.2, NM_001347915.2, NM_001347917.1); c.845A>T, p.His282Leu (NM_001347914.2, NM_001347916.1, NM_130850.5 and 1 more transcripts); short protein forms H219L, H282L, H329L.
Identifiers: ClinVar variation 3254716 (VCV003254716.1), dbSNP rs1895322643.
Genomic context (GRCh38, chr14:53,950,414, plus strand): 5'-CTGGCCCGCTGTGAGTGATGCTTAGGGCTACGCTTGGCCCTCCGGCGTCGGGTCAAGGCA[T>A]GGCCCCGGCCATCATGGCCAAAGGTGACCAGGAGGGGCCGGAGCTGGGCCCAATTCCCAC-3'
Protein context (NP_001193.2, residues 272-292): LVTFGHDGRG[His282Leu]ALTRRRRAKR

ClinVar aggregate classification (germline): Uncertain significance (1 of 4 stars; one submission).

Conditions:
Microphthalmia with brain and digit anomalies (MCOPS6). Also called: Microphthalmia, syndromic 6; MICROPHTHALMIA AND PITUITARY ANOMALIES. Identifiers: Orphanet 139471, MedGen C1864689, MONDO:0011936, OMIM 607932.

Submission:

Victorian Clinical Genetics Services, Murdoch Childrens Research Institute
Classification: Uncertain significance for Microphthalmia with brain and digit anomalies. Last evaluated: 2023-07-17. Review status: criteria provided, single submitter. Criteria: ACMG Guidelines, 2015. Collection method: clinical testing. Allele origin: germline. Inheritance: Autosomal dominant inheritance. Affected: yes.
Comment: Based on the classification scheme VCGS_Germline_v1.3.4, this variant is classified as VUS-3A. Following criteria are met: 0102 - Loss of function is a known mechanism of disease in this gene and is associated with microphthalmia, syndromic 6 (MIM#607932) and orofacial cleft 11 (MIM#600625) (PMIDs: 21340693, 30568244). The mechanism for missense variants is unclear. (I) 0107 - This gene is associated with autosomal dominant disease. (I) 0112 - The condition associated with this gene has incomplete penetrance. Affected children have been found to carry the same BMP4 variant as their unaffected parent (PMIDs: 31053785, 19249007, 21340693). (I) 0115 - Variants in this gene are known to have variable expressivity. Individuals with orofacial clefts or microphthalmia have been found to carry the same BMP4 variants as their mildly affected parents (PMID: 19249007, 21340693). (I) 0200 - Variant is predicted to result in a missense amino acid change from histidine to leucine. (I) 0251 - This variant is heterozygous. (I) 0301 - Variant is absent from gnomAD (both v2 and v3). (SP) 0502 - Missense variant with conflicting in silico predictions and uninformative conservation. (I) 0604 - Variant is not located in an established domain, motif, hotspot or informative constraint region. (I) 0705 - No comparable missense variants have previous evidence for pathogenicity. (I) 0807 - This variant has no previous evidence of pathogenicity. (I) 0905 - No published segregation evidence has been identified for this variant. (I) 1007 - No published functional evidence has been identified for this variant. (SP) Legend: (SP) - Supporting pathogenic, (I) - Information, (SB) - Supporting benign

Literature cited by the submitters: PubMed 19249007; PubMed 21340693; PubMed 30568244; PubMed 31053785.